The following is an entry in ClinVar:

NC_012920.1(MT-TL1):m.3249G>A

Gene: MT-TL1 (mitochondrially encoded tRNA leucine 1 (UUA/G); plus strand).
Variant type: single nucleotide variant.
Genome position: chrM-3249-G-A.
Other names: 3249G-A.
Identifiers: ClinVar variation 9599 (VCV000009599.4), dbSNP rs199474667, ClinGen allele CA254840.

ClinVar aggregate classification (germline): Uncertain significance. Review status: reviewed by expert panel (3 of 4 stars). 2 submissions from 2 submitters: Uncertain significance (1). 1 of the submissions does not count toward it. Last evaluated 2024-04-22.

Conditions:
Mitochondrial disease. Also called: Mitochondrial disorders; Mitochondrial disorder. Identifiers: Orphanet 68380, MedGen C0751651, MeSH D028361, MONDO:0044970.
Kearns-Sayre syndrome. Also called: Chronic progressive external ophthalmoplegia with myopathy, somatic; OCULOCRANIOSOMATIC SYNDROME; OPHTHALMOPLEGIA, PIGMENTARY DEGENERATION OF RETINA, AND CARDIOMYOPATHY; CHRONIC PROGRESSIVE EXTERNAL OPHTHALMOPLEGIA WITH MYOPATHY; CPEO WITH MYOPATHY; Kearns-Sayre Syndrome (KSS). Identifiers: Orphanet 480, MedGen C0022541, MONDO:0010787, OMIM 530000.

Submissions (2):

ClinGen Mitochondrial Disease Nuclear and Mitochondrial  Variant Curation Expert Panel, ClinGen
Classification: Uncertain significance for Mitochondrial disease. Last evaluated: 2024-04-22. Review status: reviewed by expert panel. Criteria: clingen mito disease acmg specifications v1-1. Collection method: curation. Allele origin: germline. Inheritance: Mitochondrial inheritance.
Comment: The variant was present at 85% heteroplasmy in skeletal muscle and 45% in leukocytes in the proband, 5% in the blood of the healthy mother, and was undetectable in blood from a healthy sister (PP1). This variant is absent in the GenBank dataset, Helix dataset, and gnomAD v3.1.2 (PM2_supporting). Computational predictors are conflicting (MitoTIP: 39.3%; HmtVAR: 0.45). There are no cybrids or single fiber studies reported on this variant, however two processing studies have shown termination blockage (PMID: 20550934) and RNAseP binding interference (PMID: 33380464), and this variant was also found to negatively impact 5' end cleavage and m1A9 methylation (PMID: 33380464; PS3_supporting). In summary, this variant meets criteria to be classified as uncertain significance for primary mitochondrial disease inherited in a mitochondrial manner. This classification was approved by the NICHD/NINDS U24 ClinGen Mitochondrial Disease Variant Curation Expert Panel on April 22, 2024. Mitochondrial DNA-specific ACMG/AMP criteria applied (PMID: 32906214): PP1, PM2_supporting, PS3_supporting.

OMIM
Classification: Uncertain significance for RECLASSIFIED - VARIANT OF UNKNOWN SIGNIFICANCE. Last evaluated: 2010-06-11. Review status: no assertion criteria provided. Collection method: literature only. Allele origin: germline. Not counted in ClinVar's aggregate classification.

Literature cited by the submitters: PubMed 33380464 (cited by ClinGen Mitochondrial Disease Nuclear and Mitochondrial  Variant Curation Expert Panel, ClinGen); PubMed 20550934 (cited by ClinGen Mitochondrial Disease Nuclear and Mitochondrial  Variant Curation Expert Panel, ClinGen and OMIM); PubMed 11448301 (cited by OMIM).